The following is an entry in ClinVar:

ClinVar aggregate classification (germline): Uncertain significance (1 of 4 stars; one submission).

Allele frequency attached by ClinVar (database versions not stated): gnomAD exomes 0.00001; TOPMed 0.00001.
gnomAD v4.1: 7 of 1,544,146 alleles (0.00045%); highest among the groups gnomAD compares: Admixed American, 0.0079%; no homozygotes.

Submission:

Labcorp Genetics (formerly Invitae), Labcorp
Classification: Uncertain significance. Last evaluated: 2025-08-30. Review status: criteria provided, single submitter. Criteria: Invitae Variant Classification Sherloc (09022015). Collection method: clinical testing. Allele origin: germline.
Comment: This sequence change replaces proline, which is neutral and non-polar, with serine, which is neutral and polar, at codon 17 of the C1QTNF5 protein (p.Pro17Ser). The frequency data for this variant in the population databases is considered unreliable, as metrics indicate poor data quality at this position in the gnomAD database. This variant has not been reported in the literature in individuals affected with C1QTNF5-related conditions. ClinVar contains an entry for this variant (Variation ID: 1984823). Experimental studies and prediction algorithms are not available or were not evaluated, and the functional significance of this variant is currently unknown. In summary, the available evidence is currently insufficient to determine the role of this variant in disease. Therefore, it has been classified as a Variant of Uncertain Significance.

NM_001278431.2(C1QTNF5):c.49C>T (p.Pro17Ser)

Genes: C1QTNF5 (C1q and TNF related 5; minus strand), MFRP (membrane frizzled-related protein; minus strand). Cytogenetic location: 11q23.3.
Variant type: single nucleotide variant.
Coding change: c.49C>T on transcript NM_001278431.2 (MANE Select); coding-DNA position 49, C replaced by T.
Protein change: p.Pro17Ser; replaces proline 17 with serine.
Molecular consequence: missense variant. On other transcripts: 3 prime UTR variant (1).
Genome position (GRCh38, 1-based): chr11:119,340,349, G>A on the plus strand (C>T on the coding strand, the complement: C1QTNF5 is on the minus strand). VCF-style: chr11-119340349-G-A. GRCh37 (hg19) VCF-style: chr11-119211059-G-A.
Other names: c.49C>T, p.Pro17Ser (NM_015645.5); c.*945C>T (NM_031433.4); short protein forms P17S.
Identifiers: ClinVar variation 1984823 (VCV001984823.4), dbSNP rs1177258787, ClinGen allele CA382971040.